The following is an entry in ClinVar:

ClinVar aggregate classification (germline): Uncertain significance (1 of 4 stars; one submission).

gnomAD v4.1: 5 of 1,614,036 alleles (0.00031%); highest among the groups gnomAD compares: South Asian, 0.0033%; no homozygotes.

Submission:

Mayo Clinic Laboratories, Mayo Clinic
Classification: Uncertain significance. Last evaluated: 2024-06-14. Review status: criteria provided, single submitter. Criteria: ACMG Guidelines, 2015. Collection method: clinical testing. Allele origin: germline. Observed: 1 variant allele.
Comment: BP4, PM2

NM_006642.5(SDCCAG8):c.1109G>A (p.Arg370Lys)

Gene: SDCCAG8 (SHH signaling and ciliogenesis regulator SDCCAG8; plus strand). Cytogenetic location: 1q43.
Variant type: single nucleotide variant.
Coding change: c.1109G>A on transcript NM_006642.5 (MANE Select); coding-DNA position 1109, G replaced by A.
Protein change: p.Arg370Lys; replaces arginine 370 with lysine.
Molecular consequence: missense variant.
Genome position (GRCh38, 1-based): chr1:243,330,580, G>A. VCF-style: chr1-243330580-G-A. GRCh37 (hg19) VCF-style: chr1-243493882-G-A.
Other names: p.Arg370Lys; c.206G>A, p.Arg69Lys (NM_001350246.2, NM_001350247.2, NM_001350251.2); c.1205G>A, p.Arg402Lys (NM_001350248.2); c.815G>A, p.Arg272Lys (NM_001350249.2); short protein forms R272K, R370K, R402K, R69K.
Identifiers: ClinVar variation 3380785 (VCV003380785.1).